The following is an entry in ClinVar:

NM_001330078.2(NRXN1):c.368T>A (p.Phe123Tyr)

Gene: NRXN1 (neurexin 1; minus strand). Cytogenetic location: 2p16.3.
Variant type: single nucleotide variant.
Coding change: c.368T>A on transcript NM_001330078.2 (MANE Select); coding-DNA position 368, T replaced by A.
Protein change: p.Phe123Tyr; replaces phenylalanine 123 with tyrosine.
Molecular consequence: missense variant.
Genome position (GRCh38, 1-based): chr2:51,027,906, A>T on the plus strand (T>A on the coding strand, the complement: NRXN1 is on the minus strand). VCF-style: chr2-51027906-A-T. GRCh37 (hg19) VCF-style: chr2-51255044-A-T.
Other names: c.368T>A, p.Phe123Tyr (NM_001135659.3, NM_001330077.2, NM_001330079.2 and 15 more transcripts); short protein forms F123Y.
Identifiers: ClinVar variation 2699618 (VCV002699618.3), dbSNP rs1055449118, ClinGen allele CA346824151.

ClinVar aggregate classification (germline): Uncertain significance (1 of 4 stars; one submission).

Conditions:
Pitt-Hopkins-like syndrome 2 (PTHSL2). Identifiers: Orphanet 221150, Orphanet 600663, MedGen C3280479, MONDO:0013690, OMIM 614325.

Submission:

Labcorp Genetics (formerly Invitae), Labcorp
Classification: Uncertain significance for Pitt-Hopkins-like syndrome 2. Last evaluated: 2023-11-28. Review status: criteria provided, single submitter. Criteria: Invitae Variant Classification Sherloc (09022015). Collection method: clinical testing. Allele origin: germline.
Comment: This sequence change replaces phenylalanine, which is neutral and non-polar, with tyrosine, which is neutral and polar, at codon 123 of the NRXN1 protein (p.Phe123Tyr). This variant is not present in population databases (gnomAD no frequency). This variant has not been reported in the literature in individuals affected with NRXN1-related conditions. An algorithm developed to predict the effect of missense changes on protein structure and function (PolyPhen-2) suggests that this variant is likely to be tolerated. In summary, the available evidence is currently insufficient to determine the role of this variant in disease. Therefore, it has been classified as a Variant of Uncertain Significance.